The following is an entry in ClinVar:

ClinVar aggregate classification (germline): Conflicting classifications of pathogenicity. Review status: criteria provided, conflicting classifications (1 of 4 stars). 6 submissions from 4 submitters: Uncertain significance (4); Likely benign (1). 1 of the submissions does not count toward it. Last evaluated 2026-02-01.

Conditions:
Microspherophakia and/or megalocornea, with ectopia lentis and with or without secondary glaucoma (MSPKA). Identifiers: Orphanet 238763, MedGen C3538951, MONDO:0009633, OMIM 251750.
Weill-Marchesani syndrome 3 (WMS3). Also called: Weill-Marchesani syndrome 3, recessive; LTBP2-Related Weill-Marchesani Syndrome. Identifiers: Orphanet 3449, MedGen C3553785, MONDO:0013899, OMIM 614819.
Glaucoma 3, primary congenital, D. Identifiers: Orphanet 98976, MedGen C2751316, MONDO:0013122, OMIM 613086.
LTBP2-related disorder. Also called: LTBP2-related condition; LTBP2-related disorders.
Weill-Marchesani syndrome. Also called: WM Syndrome; Mesodermal dysmorphodystrophy congenital. Identifiers: Orphanet 3449, MedGen C0265313, MONDO:0018096.

Allele frequency attached by ClinVar (database versions not stated): 1000 Genomes Project 0.00120; ExAC 0.00128; ESP Exome Variant Server 0.00131; TOPMed 0.00140; gnomAD 0.00143 and 0.00149; gnomAD exomes 0.00145; 1000 Genomes Project 30x 0.00156.
gnomAD v4.1: 3,358 of 1,614,118 alleles (0.21%); highest among the groups gnomAD compares: Non-Finnish European, 0.24%; 6 homozygotes.

Submissions (6):

Labcorp Genetics (formerly Invitae), Labcorp
Classification: Likely benign. Last evaluated: 2026-02-01. Review status: criteria provided, single submitter. Criteria: Invitae Variant Classification Sherloc (09022015). Collection method: clinical testing. Allele origin: germline.

Illumina Laboratory Services, Illumina
Classification: Uncertain significance for Glaucoma 3, primary congenital, D. Last evaluated: 2018-01-13. Review status: criteria provided, single submitter. Criteria: ICSL Variant Classification Criteria 13 December 2019. Collection method: clinical testing. Allele origin: germline.

Illumina Laboratory Services, Illumina
Classification: Uncertain significance for Weill-Marchesani syndrome. Last evaluated: 2018-01-13. Review status: criteria provided, single submitter. Criteria: ICSL Variant Classification Criteria 13 December 2019. Collection method: clinical testing. Allele origin: germline.

Center for Genomics, Ann and Robert H. Lurie Children's Hospital of Chicago
Classification: Uncertain significance for Weill-Marchesani syndrome 3. Last evaluated: 2017-08-01. Review status: criteria provided, single submitter. Criteria: ACMG Guidelines, 2015. Collection method: clinical testing. Allele origin: germline.
Comment: LTBP2 NM_000428.2 exon31 p.Val1506Met (c.4516G>A): This variant has not been reported in the literature but is present in 0.2% (245/126544) of European chromosomes in the Genome Aggregation Database. This variant is present in ClinVar (Variation ID:314272). Evolutionary conservation and computational predictive tools suggest that this variant may not impact the protein. In summary, data on this variant is insufficient for disease classification. Therefore, the clinical significance of this variant is uncertain.

Center for Genomics, Ann and Robert H. Lurie Children's Hospital of Chicago
Classification: Uncertain significance for Glaucoma 3, primary congenital, D; Microspherophakia and/or megalocornea, with ectopia lentis and with or without secondary glaucoma; Weill-Marchesani syndrome 3. Review status: criteria provided, single submitter. Criteria: ACMG Guidelines, 2015. Collection method: clinical testing. Allele origin: germline.
Comment: the same text as in the submission from Center for Genomics, Ann and Robert H. Lurie Children's Hospital of Chicago above.

PreventionGenetics, part of Exact Sciences
Classification: Likely benign for LTBP2-related condition. Last evaluated: 2020-03-09. Review status: no assertion criteria provided. Collection method: clinical testing. Allele origin: germline. Not counted in ClinVar's aggregate classification.
Comment: This variant is classified as likely benign based on ACMG/AMP sequence variant interpretation guidelines (Richards et al. 2015 PMID: 25741868, with internal and published modifications).

NM_000428.3(LTBP2):c.4516G>A (p.Val1506Met)

Gene: LTBP2 (latent transforming growth factor beta binding protein 2; minus strand). Cytogenetic location: 14q24.3.
Variant type: single nucleotide variant.
Coding change: c.4516G>A on transcript NM_000428.3 (MANE Select); coding-DNA position 4516, G replaced by A.
Protein change: p.Val1506Met; replaces valine 1506 with methionine.
Molecular consequence: missense variant.
Genome position (GRCh38, 1-based): chr14:74,503,992, C>T on the plus strand (G>A on the coding strand, the complement: LTBP2 is on the minus strand). VCF-style: chr14-74503992-C-T. GRCh37 (hg19) VCF-style: chr14-74970695-C-T.
Other names: short protein forms V1506M.
Identifiers: ClinVar variation 314272 (VCV000314272.18), dbSNP rs117800773, ClinGen allele CA7268735.